The following is an entry in ClinVar:

NM_017617.5(NOTCH1):c.6637G>A (p.Val2213Met)

Gene: NOTCH1 (notch receptor 1; minus strand). Cytogenetic location: 9q34.3.
Variant type: single nucleotide variant.
Coding change: c.6637G>A on transcript NM_017617.5 (MANE Select); coding-DNA position 6637, G replaced by A.
Protein change: p.Val2213Met; replaces valine 2213 with methionine.
Molecular consequence: missense variant.
Genome position (GRCh38, 1-based): chr9:136,497,102, C>T on the plus strand (G>A on the coding strand, the complement: NOTCH1 is on the minus strand). VCF-style: chr9-136497102-C-T. GRCh37 (hg19) VCF-style: chr9-139391554-C-T.
Other names: short protein forms V2213M.
Identifiers: ClinVar variation 1409440 (VCV001409440.10), dbSNP rs376241938, ClinGen allele CA5339859.
Genomic context (GRCh38, chr9:136,497,102, plus strand): 5'-GGTTGAGGGGCACGGACGGAGACTGCTGGAACGGGGAGGGCAGCAGTGGCGGCGAGGCCA[C>T]GTCTGACAGGTAGCCATGGGGTGACTCCAGGGAGTCCACGGGCGAGAGCATGCCGGAGCT-3'
Protein context (NP_060087.3, residues 2203-2223): LESPHGYLSD[Val2213Met]ASPPLLPSPF

ClinVar aggregate classification (germline): Conflicting classifications of pathogenicity. Review status: criteria provided, conflicting classifications (1 of 4 stars). 3 submissions from 3 submitters: Uncertain significance (2); Benign (1). Last evaluated 2026-01-27.

Conditions:
Adams-Oliver syndrome 5 (AOS5). Identifiers: Orphanet 974, MedGen C4014970, MONDO:0014459, OMIM 616028.
Familial thoracic aortic aneurysm and aortic dissection (TAAD). Also called: Thoracic aortic aneurysms and dissections. Identifiers: Orphanet 91387, MedGen C4707243, MONDO:0019625.

Allele frequency attached by ClinVar (database versions not stated): gnomAD 0.00001; gnomAD exomes 0.00001 and 0.00002; TOPMed 0.00002; ExAC 0.00003; ESP Exome Variant Server 0.00008.
gnomAD v4.1: 21 of 1,610,788 alleles (0.0013%); highest among the groups gnomAD compares: East Asian, 0.0045%; no homozygotes.

Submissions (3):

Labcorp Genetics (formerly Invitae), Labcorp
Classification: Benign for Adams-Oliver syndrome 5. Last evaluated: 2026-01-27. Review status: criteria provided, single submitter. Criteria: Invitae Variant Classification Sherloc (09022015). Collection method: clinical testing. Allele origin: germline.

GeneDx
Classification: Uncertain significance. Last evaluated: 2024-12-31. Review status: criteria provided, single submitter. Criteria: GeneDx Variant Classification Process June 2021. Collection method: clinical testing. Allele origin: germline. Affected: yes.
Comment: Not observed at significant frequency in large population cohorts (gnomAD); In silico analysis indicates that this missense variant does not alter protein structure/function; Has not been previously published as pathogenic or benign to our knowledge

Ambry Genetics
Classification: Uncertain significance for Familial thoracic aortic aneurysm and aortic dissection. Last evaluated: 2024-05-11. Review status: criteria provided, single submitter. Criteria: Ambry Variant Classification Scheme 2023. Collection method: clinical testing. Allele origin: germline.
Comment: The p.V2213M variant (also known as c.6637G>A), located in coding exon 34 of the NOTCH1 gene, results from a G to A substitution at nucleotide position 6637. The valine at codon 2213 is replaced by methionine, an amino acid with highly similar properties. This amino acid position is well conserved in available vertebrate species. In addition, the in silico prediction for this alteration is inconclusive. Since supporting evidence is limited at this time, the clinical significance of this alteration remains unclear.